The following is an entry in ClinVar:

NM_001267550.2(TTN):c.69768T>C (p.Ser23256=)

Genes: TTN (titin; minus strand), TTN-AS1 (TTN antisense RNA 1; plus strand), LOC126806422 (BRD4-independent group 4 enhancer GRCh37_chr2:179440205-179441404; plus strand). Cytogenetic location: 2q31.2.
Variant type: single nucleotide variant.
Coding change: c.69768T>C on transcript NM_001267550.2 (MANE Select); coding-DNA position 69768, T replaced by C.
Protein change: p.Ser23256=; no amino-acid change (serine 23256 retained).
Molecular consequence: synonymous variant.
Genome position (GRCh38, 1-based): chr2:178,576,364, A>G on the plus strand (T>C on the coding strand, the complement: TTN is on the minus strand). VCF-style: chr2-178576364-A-G. GRCh37 (hg19) VCF-style: chr2-179441091-A-G.
Other names: c.64845T>C, p.Ser21615= (NM_001256850.1); c.42573T>C, p.Ser14191= (NM_003319.4); c.62064T>C, p.Ser20688= (NM_133378.4); c.42948T>C, p.Ser14316= (NM_133432.3); c.43149T>C, p.Ser14383= (NM_133437.4).
Identifiers: ClinVar variation 413184 (VCV000413184.21), dbSNP rs182679164, ClinGen allele CA1990877.

ClinVar aggregate classification (germline): Likely benign. Review status: criteria provided, multiple submitters, no conflicts (2 of 4 stars). 4 submissions from 4 submitters: Likely benign (4). Last evaluated 2026-01-10.

Conditions:
TTN-related disorder. Also called: TTN-related disorders; TTN-related condition; TTN-related disease.
Cardiovascular phenotype. Identifiers: MedGen CN230736.
Autosomal recessive limb-girdle muscular dystrophy type 2J (LGMDR10). Also called: Limb-girdle muscular dystrophy, type 2J; MUSCULAR DYSTROPHY, LIMB-GIRDLE, AUTOSOMAL RECESSIVE 10. Identifiers: Orphanet 140922, MedGen C1837342, MONDO:0012127, OMIM 608807.
Dilated cardiomyopathy 1G (CMD1G). Identifiers: Orphanet 154, MedGen C1858763, MONDO:0011400, OMIM 604145.

Allele frequency attached by ClinVar (database versions not stated): gnomAD 0.00003 and 0.00005; gnomAD exomes 0.00003 and 0.00010; ExAC 0.00012; 1000 Genomes Project 0.00060; 1000 Genomes Project 30x 0.00078; TOPMed 0.00002.
gnomAD v4.1: 46 of 1,558,290 alleles (0.003%); highest among the groups gnomAD compares: East Asian, 0.077%; no homozygotes.

Submissions (4):

Labcorp Genetics (formerly Invitae), Labcorp
Classification: Likely benign for Dilated cardiomyopathy 1G; Autosomal recessive limb-girdle muscular dystrophy type 2J. Last evaluated: 2026-01-10. Review status: criteria provided, single submitter. Criteria: Invitae Variant Classification Sherloc (09022015). Collection method: clinical testing. Allele origin: germline.

PreventionGenetics, part of Exact Sciences
Classification: Likely benign for TTN-related condition. Last evaluated: 2025-03-31. Review status: criteria provided, single submitter. Criteria: ACMG Guidelines, 2015. Collection method: clinical testing. Allele origin: germline.
Comment: This variant is classified as likely benign based on ACMG/AMP sequence variant interpretation guidelines (Richards et al. 2015 PMID: 25741868, with internal and published modifications).

Ambry Genetics
Classification: Likely benign for Cardiovascular phenotype. Last evaluated: 2022-06-09. Review status: criteria provided, single submitter. Criteria: Ambry Variant Classification Scheme 2023. Collection method: clinical testing. Allele origin: germline.

GeneDx
Classification: Likely benign. Last evaluated: 2020-08-12. Review status: criteria provided, single submitter. Criteria: GeneDx Variant Classification Process June 2021. Collection method: clinical testing. Allele origin: germline. Affected: yes.